The following is an entry in ClinVar:

ClinVar aggregate classification (germline): Benign (1 of 4 stars; one submission).

Allele frequency attached by ClinVar (database versions not stated): gnomAD exomes 0.00301; ESP Exome Variant Server 0.00434; ExAC 0.00689; gnomAD 0.00733; 1000 Genomes Project 0.00739; 1000 Genomes Project 30x 0.00750; TOPMed 0.00853.
gnomAD v4.1: 5,693 of 1,574,454 alleles (0.36%); highest among the groups gnomAD compares: Middle Eastern, 2.5%; 38 homozygotes.

Submission:

CeGaT Center for Human Genetics Tuebingen
Classification: Benign. Last evaluated: 2025-02-01. Review status: criteria provided, single submitter. Criteria: CeGaT Center For Human Genetics Tuebingen Variant Classification Criteria Version 2. Collection method: clinical testing. Allele origin: germline. Affected: yes. Observed: 2 variant alleles.
Comment: MTDH: BS1, BS2

NM_178812.4(MTDH):c.307C>G (p.Leu103Val)

Gene: MTDH (metadherin; plus strand). Cytogenetic location: 8q22.1.
Variant type: single nucleotide variant.
Coding change: c.307C>G on transcript NM_178812.4 (MANE Select); coding-DNA position 307, C replaced by G.
Protein change: p.Leu103Val; replaces leucine 103 with valine.
Molecular consequence: missense variant.
Genome position (GRCh38, 1-based): chr8:97,644,813, C>G. VCF-style: chr8-97644813-C-G. GRCh37 (hg19) VCF-style: chr8-98657041-C-G.
Other names: c.307C>G, p.Leu103Val (NM_001363136.1, NM_001363137.1, NM_001363138.1 and 1 more transcripts); short protein forms L103V.
Identifiers: ClinVar variation 2658702 (VCV002658702.24), dbSNP rs188271601, ClinGen allele CA4817828.